The following is an entry in ClinVar:

ClinVar aggregate classification (germline): Likely benign. Review status: criteria provided, multiple submitters, no conflicts (2 of 4 stars). 2 submissions from 2 submitters: Likely benign (2). Last evaluated 2024-10-03.

Allele frequency attached by ClinVar (database versions not stated): ExAC 0.00013; 1000 Genomes Project 0.00020; 1000 Genomes Project 30x 0.00031; ESP Exome Variant Server 0.00088.
gnomAD v4.1: 582 of 1,546,280 alleles (0.038%); highest among the groups gnomAD compares: Non-Finnish European, 0.048%; no homozygotes.

Submissions (2):

Blueprint Genetics
Classification: Likely benign. Last evaluated: 2024-10-03. Review status: criteria provided, single submitter. Criteria: ACMG Guidelines, 2015. Collection method: clinical testing. Allele origin: germline.

CeGaT Center for Human Genetics Tuebingen
Classification: Likely benign. Last evaluated: 2023-05-01. Review status: criteria provided, single submitter. Criteria: CeGaT Center For Human Genetics Tuebingen Variant Classification Criteria Version 2. Collection method: clinical testing. Allele origin: germline. Affected: yes. Observed: 1 variant allele.
Comment: SETD1B: PP2, BP4, BS1

NM_001353345.2(SETD1B):c.2760C>G (p.Asp920Glu)

Gene: SETD1B (SET domain containing 1B, histone lysine methyltransferase; plus strand). Cytogenetic location: 12q24.31.
Variant type: single nucleotide variant.
Coding change: c.2760C>G on transcript NM_001353345.2 (MANE Select); coding-DNA position 2760, C replaced by G.
Protein change: p.Asp920Glu; replaces aspartic acid 920 with glutamic acid.
Molecular consequence: missense variant.
Genome position (GRCh38, 1-based): chr12:121,817,077, C>G. VCF-style: chr12-121817077-C-G. GRCh37 (hg19) VCF-style: chr12-122254983-C-G.
Other names: short protein forms D920E.
Identifiers: ClinVar variation 2643455 (VCV002643455.25), dbSNP rs375276520, ClinGen allele CA6838985.